The following is an entry in ClinVar:

NM_020975.6(RET):c.244G>A (p.Glu82Lys)

Gene: RET (ret proto-oncogene; plus strand). Cytogenetic location: 10q11.21.
Variant type: single nucleotide variant.
Coding change: c.244G>A on transcript NM_020975.6 (MANE Select); coding-DNA position 244, G replaced by A.
Protein change: p.Glu82Lys; replaces glutamic acid 82 with lysine.
Molecular consequence: missense variant. On other transcripts: intron variant (4).
Genome position (GRCh38, 1-based): chr10:43,100,629, G>A. VCF-style: chr10-43100629-G-A. GRCh37 (hg19) VCF-style: chr10-43596077-G-A.
Other names: c.244G>A, p.Glu82Lys (NM_001406743.1, NM_001406744.1, NM_001406759.1 and 32 more transcripts); c.74-8402G>A (NM_001406784.1); c.74-11470G>A (NM_001406794.1, NM_001406792.1, NM_001406793.1); short protein forms E82K.
Identifiers: ClinVar variation 3387584 (VCV003387584.2).
Genomic context (GRCh38, chr10:43,100,629, plus strand): 5'-GAGGTGCCCAGCTTCCGCCTGGGCCAGCATCTCTACGGCACGTACCGCACACGGCTGCAT[G>A]AGAACAACTGGATCTGCATCCAGGAGGACACCGGCCTCCTCTACCTTAACCGGAGCCTGG-3'
Protein context (NP_066124.1, residues 72-92): LYGTYRTRLH[Glu82Lys]NNWICIQEDT

ClinVar aggregate classification (germline): Uncertain significance. Review status: criteria provided, multiple submitters, no conflicts (2 of 4 stars). 2 submissions from 2 submitters: Uncertain significance (2). Last evaluated 2025-10-01.

Conditions:
Hereditary cancer-predisposing syndrome. Also called: Neoplastic Syndromes, Hereditary; Hereditary Cancer Syndrome; Tumor predisposition; Hereditary neoplastic syndrome. Identifiers: Orphanet 140162, MedGen C0027672, MeSH D009386, MONDO:0015356.
Multiple endocrine neoplasia, type 2 (MEN2). Identifiers: Orphanet 653, MedGen C4048306, MONDO:0019003. Disease mechanism: gain of function.

gnomAD v4.1: 1 of 1,613,784 alleles (0.000062%); highest among the groups gnomAD compares: East Asian, 0.0022%; no homozygotes.

Submissions (2):

Ambry Genetics
Classification: Uncertain significance for Hereditary cancer-predisposing syndrome. Last evaluated: 2025-10-01. Review status: criteria provided, single submitter. Criteria: Ambry Variant Classification Scheme 2023. Collection method: clinical testing. Allele origin: germline.
Comment: The p.E82K variant (also known as c.244G>A), located in coding exon 2 of the RET gene, results from a G to A substitution at nucleotide position 244. The glutamic acid at codon 82 is replaced by lysine, an amino acid with similar properties. This amino acid position is not well conserved in available vertebrate species. In addition, this alteration is predicted to be tolerated by in silico analysis. Based on the available evidence, the clinical significance of this variant remains unclear.

All of Us Research Program, National Institutes of Health
Classification: Uncertain significance for Multiple endocrine neoplasia, type 2. Last evaluated: 2024-07-10. Review status: criteria provided, single submitter. Criteria: ACMG Guidelines, 2015. Collection method: clinical testing. Allele origin: germline. Inheritance: Autosomal dominant inheritance. Observed: 1 variant allele, 1 heterozygote.
Comment: This missense variant replaces glutamic acid with lysine at codon 82 of the RET protein. Computational prediction suggests that this variant may not impact protein structure and function. To our knowledge, functional studies have not been reported for this variant. This variant has not been reported in individuals affected with RET-related disorders in the literature. This variant has not been identified in the general population by the Genome Aggregation Database (gnomAD). The available evidence is insufficient to determine the role of this variant in disease conclusively. Therefore, this variant is classified as a Variant of Uncertain Significance.

This study involves interpretation of variants in research participants for the purpose of population health screening. Participant phenotype was not available at the time of variant classification. Additional details can be found in publication PMID: 35346344, PMCID: PMC8962531